The following is an entry in ClinVar:

ClinVar aggregate classification (germline): Uncertain significance (1 of 4 stars; one submission).

Conditions:
Intellectual developmental disorder, X-linked, syndromic, Claes-Jensen type. Also called: Syndromic X-linked intellectual disability Claes-Jensen type; INTELLECTUAL DEVELOPMENTAL DISORDER, X-LINKED, SYNDROMIC 16; MENTAL RETARDATION, X-LINKED, SYNDROMIC 16. Identifiers: Orphanet 85279, MedGen C1845243, MONDO:0010355, OMIM 300534.

gnomAD v4.1: 1 of 1,211,849 alleles (0.000083%); highest among the groups gnomAD compares: Non-Finnish European, 0.00011%; no homozygotes.

Submission:

3billion
Classification: Uncertain significance for Intellectual developmental disorder, X-linked, syndromic, Claes-Jensen type. Last evaluated: 2024-06-27. Review status: criteria provided, single submitter. Criteria: ACMG Guidelines, 2015. Collection method: clinical testing. Allele origin: germline. Affected: yes.
Comment: The variant is observed at an extremely low frequency in the gnomAD v4.0.0 dataset (total allele frequency: <0.001%). Predicted Consequence/Location: Missense variant In silico tool predictions suggest damaging effect of the variant on gene or gene product [3Cnet: 0.81 (>=0.6, sensitivity 0.72 and precision 0.9)]. The variant has been reported as of uncertain significance (ClinVar ID: VCV002504007; 3billion dataset). Therefore, this variant is classified as VUS according to the recommendation of ACMG/AMP guideline.

NM_004187.5(KDM5C):c.806C>G (p.Pro269Arg)

Gene: KDM5C (lysine demethylase 5C; minus strand). Cytogenetic location: Xp11.22.
Variant type: single nucleotide variant.
Coding change: c.806C>G on transcript NM_004187.5 (MANE Select); coding-DNA position 806, C replaced by G.
Protein change: p.Pro269Arg; replaces proline 269 with arginine.
Molecular consequence: missense variant. On other transcripts: non-coding transcript variant (3).
Genome position (GRCh38, 1-based): chrX:53,215,952, G>C on the plus strand (C>G on the coding strand, the complement: KDM5C is on the minus strand). VCF-style: chrX-53215952-G-C. GRCh37 (hg19) VCF-style: chrX-53245134-G-C.
Other names: c.605C>G, p.Pro202Arg (NM_001146702.2); c.803C>G, p.Pro268Arg (NM_001282622.3, NM_001353979.2, NM_001353982.2); c.806C>G, p.Pro269Arg (NM_001353978.3, NM_001353981.2, NM_001353984.2); short protein forms P202R, P268R, P269R.
Identifiers: ClinVar variation 4292210 (VCV004292210.1).